The following is an entry in ClinVar:

NM_001134363.3(RBM20):c.2303= (p.Ser768=)

Gene: RBM20 (RNA binding motif protein 20; plus strand). Cytogenetic location: 10q25.2.
Variant type: single nucleotide variant.
Coding change: c.2303= on transcript NM_001134363.3 (MANE Select); coding-DNA position 2303, no change from the reference sequence.
Protein change: p.Ser768=; no amino-acid change (serine 768 retained).
Molecular consequence: no sequence alteration.
Genome position: GRCh38 VCF-style: chr10-110812700-C-C. GRCh37 (hg19) VCF-style: chr10-112572458-G-C.
Other names: p.W768S:TGG>TCG.
Identifiers: ClinVar variation 138901 (VCV000138901.32), dbSNP rs1417635.

ClinVar aggregate classification (germline): Benign. Review status: criteria provided, multiple submitters, no conflicts (2 of 4 stars). 13 submissions from 13 submitters: Benign (10). 3 of the submissions do not count toward it. Last evaluated 2026-02-04.

Conditions:
Cardiovascular phenotype. Identifiers: MedGen CN230736.
Cardiomyopathy (CMYO). Also called: Cardiomyopathies. Identifiers: Orphanet 167848, MedGen C0878544, MONDO:0004994, HP:0001638. Inheritance: Various modes of inheritance.
Dilated cardiomyopathy 1DD (CMD1DD). Identifiers: Orphanet 154, MedGen C2750995, MONDO:0013168, OMIM 613172.

Allele frequency attached by ClinVar (database versions not stated): 1000 Genomes Project 0.00379; TOPMed 0.99112; 1000 Genomes Project 30x 0.99126.

Submissions (13):

Labcorp Genetics (formerly Invitae), Labcorp
Classification: Benign for Dilated cardiomyopathy 1DD. Last evaluated: 2026-02-04. Review status: criteria provided, single submitter. Criteria: Invitae Variant Classification Sherloc (09022015). Collection method: clinical testing. Allele origin: germline.

Blueprint Genetics
Classification: Benign. Last evaluated: 2024-11-27. Review status: criteria provided, single submitter. Criteria: ACMG Guidelines, 2015. Collection method: clinical testing. Allele origin: germline.

Illumina Laboratory Services, Illumina
Classification: Benign for Dilated cardiomyopathy 1DD. Last evaluated: 2018-01-12. Review status: criteria provided, single submitter. Criteria: ICSL Variant Classification Criteria 13 December 2019. Collection method: clinical testing. Allele origin: germline.
Comment: This variant was observed in the ICSL laboratory as part of a predisposition screen in an ostensibly healthy population. It had not been previously curated by ICSL or reported in the Human Gene Mutation Database (HGMD: prior to June 1st, 2018), and was therefore a candidate for classification through an automated scoring system. Utilizing variant allele frequency, disease prevalence and penetrance estimates, and inheritance mode, an automated score was calculated to assess if this variant is too frequent to cause the disease. Based on the score and internal cut-off values, a variant classified as benign is not then subjected to further curation. The score for this variant resulted in a classification of benign for this disease.

CHEO Genetics Diagnostic Laboratory, Children's Hospital of Eastern Ontario
Classification: Benign for Cardiomyopathy. Last evaluated: 2015-10-01. Review status: criteria provided, single submitter. Criteria: ACMG Guidelines, 2015. Collection method: clinical testing. Allele origin: germline. Study: Canadian Open Genetics Repository.

Laboratory for Molecular Medicine, Mass General Brigham Personalized Medicine
Classification: Benign. Last evaluated: 2015-09-22. Review status: criteria provided, single submitter. Criteria: LMM Criteria. Collection method: clinical testing. Allele origin: germline. Observed: 2,096 variant alleles.
Comment: This is a RefSeq error. The reference base (c.2303G) is the minor allele. Howeve r, this allele (G) has been identified in ~1% (25/2148) of African chromosomes b y the Exome Aggregation Consortium (ExAC; dbSNP rs1417635) and thus meets criteria to be classified as benign.

Ambry Genetics
Classification: Benign for Cardiovascular phenotype. Last evaluated: 2015-03-11. Review status: criteria provided, single submitter. Criteria: Ambry Variant Classification Scheme 2023. Collection method: clinical testing. Allele origin: germline.

Eurofins Ntd Llc (ga)
Classification: Benign. Last evaluated: 2014-05-26. Review status: criteria provided, single submitter. Criteria: EGL Classification Definitions 2015. Collection method: clinical testing. Allele origin: germline. Observed: 1 variant allele, 1 homozygote.

GeneDx
Classification: Benign. Last evaluated: 2014-04-17. Review status: criteria provided, single submitter. Criteria: GeneDx Variant Classification (06012015). Collection method: clinical testing. Allele origin: germline. Affected: yes.
Comment: This variant is considered likely benign or benign based on one or more of the following criteria: it is a conservative change, it occurs at a poorly conserved position in the protein, it is predicted to be benign by multiple in silico algorithms, and/or has population frequency not consistent with disease.

Breakthrough Genomics
Classification: Benign. Review status: criteria provided, single submitter. Criteria: ACMG Guidelines, 2015. Collection method: not provided. Allele origin: germline. Inheritance: Autosomal dominant inheritance. Affected: yes.

PreventionGenetics, part of Exact Sciences
Classification: Benign. Review status: criteria provided, single submitter. Criteria: ACMG Guidelines, 2015. Collection method: clinical testing. Allele origin: germline.

Clinical Genetics DNA and cytogenetics Diagnostics Lab, Erasmus MC, Erasmus Medical Center
Classification: Benign. Review status: no assertion criteria provided. Collection method: clinical testing. Allele origin: germline. Affected: yes. Study: VKGL Data-share Consensus. Not counted in ClinVar's aggregate classification.

Clinical Genetics, Academic Medical Center
Classification: Benign. Review status: no assertion criteria provided. Collection method: clinical testing. Allele origin: germline. Affected: yes. Study: VKGL Data-share Consensus. Not counted in ClinVar's aggregate classification.

Diagnostic Laboratory, Department of Genetics, University Medical Center Groningen
Classification: Benign for Dilated cardiomyopathy 1DD. Review status: no assertion criteria provided. Collection method: clinical testing. Allele origin: germline. Affected: yes. Study: VKGL Data-share Consensus. Not counted in ClinVar's aggregate classification.